The following is an entry in ClinVar:

NM_001363711.2(DUOX2):c.1354A>G (p.Ile452Val)

Gene: DUOX2 (dual oxidase 2; minus strand). Cytogenetic location: 15q21.1.
Variant type: single nucleotide variant.
Coding change: c.1354A>G on transcript NM_001363711.2 (MANE Select); coding-DNA position 1354, A replaced by G.
Protein change: p.Ile452Val; replaces isoleucine 452 with valine.
Molecular consequence: missense variant.
Genome position (GRCh38, 1-based): chr15:45,108,833, T>C on the plus strand (A>G on the coding strand, the complement: DUOX2 is on the minus strand). VCF-style: chr15-45108833-T-C. GRCh37 (hg19) VCF-style: chr15-45401031-T-C.
Other names: c.1354A>G, p.Ile452Val (NM_014080.5); short protein forms I452V.
Identifiers: ClinVar variation 4810430 (VCV004810430.1).

ClinVar aggregate classification (germline): Uncertain significance (1 of 4 stars; one submission).

gnomAD v4.1: 2 of 1,614,238 alleles (0.00012%); highest among the groups gnomAD compares: Non-Finnish European, 0.000085%; no homozygotes.

Submission:

Labcorp Genetics (formerly Invitae), Labcorp
Classification: Uncertain significance. Last evaluated: 2025-12-18. Review status: criteria provided, single submitter. Criteria: Invitae Variant Classification Sherloc (09022015). Collection method: clinical testing. Allele origin: germline.
Comment: This sequence change replaces isoleucine, which is neutral and non-polar, with valine, which is neutral and non-polar, at codon 452 of the DUOX2 protein (p.Ile452Val). This variant is not present in population databases (gnomAD no frequency). This variant has not been reported in the literature in individuals affected with DUOX2-related conditions. Invitae Evidence Modeling of protein sequence and biophysical properties (such as structural, functional, and spatial information, amino acid conservation, physicochemical variation, residue mobility, and thermodynamic stability) indicates that this missense variant is not expected to disrupt DUOX2 protein function with a negative predictive value of 80%. In summary, the available evidence is currently insufficient to determine the role of this variant in disease. Therefore, it has been classified as a Variant of Uncertain Significance.